The following is an entry in ClinVar:

ClinVar aggregate classification (germline): Uncertain significance (1 of 4 stars; one submission).

gnomAD v4.1: 3 of 1,196,707 alleles (0.00025%); highest among the groups gnomAD compares: African/African-American, 0.0018%; no homozygotes.

Submission:

GeneDx
Classification: Uncertain significance. Last evaluated: 2026-09-09. Review status: criteria provided, single submitter. Criteria: GeneDx Variant Classification Process June 2021. Collection method: clinical testing. Allele origin: germline.
Comment: Not observed at significant frequency in large population cohorts (gnomAD); In silico analysis suggests that this missense variant does not alter protein structure/function; Has not been previously published as pathogenic or benign to our knowledge

NM_020061.6(OPN1LW):c.37C>T (p.Arg13Cys)

Gene: OPN1LW (opsin 1, long wave sensitive; plus strand). Cytogenetic location: Xq28.
Variant type: single nucleotide variant.
Coding change: c.37C>T on transcript NM_020061.6 (MANE Select); coding-DNA position 37, C replaced by T.
Protein change: p.Arg13Cys; replaces arginine 13 with cysteine.
Molecular consequence: missense variant.
Genome position (GRCh38, 1-based): chrX:154,144,320, C>T. VCF-style: chrX-154144320-C-T. GRCh37 (hg19) VCF-style: chrX-153409794-C-T.
Other names: short protein forms R13C.
Identifiers: ClinVar variation 3361128 (VCV003361128.2).